The following is an entry in ClinVar:

NM_001134665.3(TRMT10A):c.301C>T (p.Leu101Phe)

Gene: TRMT10A (tRNA methyltransferase 10A; minus strand). Cytogenetic location: 4q23.
Variant type: single nucleotide variant.
Coding change: c.301C>T on transcript NM_001134665.3 (MANE Select); coding-DNA position 301, C replaced by T.
Protein change: p.Leu101Phe; replaces leucine 101 with phenylalanine.
Molecular consequence: missense variant.
Genome position (GRCh38, 1-based): chr4:99,558,096, G>A on the plus strand (C>T on the coding strand, the complement: TRMT10A is on the minus strand). VCF-style: chr4-99558096-G-A. GRCh37 (hg19) VCF-style: chr4-100479253-G-A.
Other names: c.301C>T, p.Leu101Phe (NM_001134666.3, NM_001375880.1, NM_001375881.1 and 2 more transcripts); short protein forms L101F.
Identifiers: ClinVar variation 1936572 (VCV001936572.5), dbSNP rs768144231, ClinGen allele CA3021582.

ClinVar aggregate classification (germline): Uncertain significance (1 of 4 stars; one submission).

Allele frequency attached by ClinVar (database versions not stated): TOPMed below 0.00001; gnomAD 0.00002.
gnomAD v4.1: 12 of 1,611,098 alleles (0.00074%); highest among the groups gnomAD compares: Non-Finnish European, 0.00093%; no homozygotes.

Submission:

Labcorp Genetics (formerly Invitae), Labcorp
Classification: Uncertain significance. Last evaluated: 2022-05-25. Review status: criteria provided, single submitter. Criteria: Invitae Variant Classification Sherloc (09022015). Collection method: clinical testing. Allele origin: germline.
Comment: Algorithms developed to predict the effect of missense changes on protein structure and function are either unavailable or do not agree on the potential impact of this missense change (SIFT: "Tolerated"; PolyPhen-2: "Probably Damaging"; Align-GVGD: "Class C0"). This variant has not been reported in the literature in individuals affected with TRMT10A-related conditions. This variant is present in population databases (rs768144231, gnomAD 0.004%). This sequence change replaces leucine, which is neutral and non-polar, with phenylalanine, which is neutral and non-polar, at codon 101 of the TRMT10A protein (p.Leu101Phe). In summary, the available evidence is currently insufficient to determine the role of this variant in disease. Therefore, it has been classified as a Variant of Uncertain Significance.